The following is an entry in ClinVar:

NM_017946.4(FKBP14):c.259G>A (p.Gly87Ser)

Genes: FKBP14 (FKBP prolyl isomerase 14; minus strand), FKBP14-AS1 (FKBP14 antisense RNA 1; plus strand). Cytogenetic location: 7p14.3.
Variant type: single nucleotide variant.
Coding change: c.259G>A on transcript NM_017946.4 (MANE Select); coding-DNA position 259, G replaced by A.
Protein change: p.Gly87Ser; replaces glycine 87 with serine.
Molecular consequence: missense variant. On other transcripts: non-coding transcript variant (1).
Genome position (GRCh38, 1-based): chr7:30,022,755, C>T on the plus strand (G>A on the coding strand, the complement: FKBP14 is on the minus strand). VCF-style: chr7-30022755-C-T. GRCh37 (hg19) VCF-style: chr7-30062371-C-T.
Other names: short protein forms G87S.
Identifiers: ClinVar variation 3850475 (VCV003850475.1).

ClinVar aggregate classification (germline): Uncertain significance (1 of 4 stars; one submission).

Conditions:
Cardiovascular phenotype. Identifiers: MedGen CN230736.

gnomAD v4.1: 1 of 1,614,006 alleles (0.000062%); highest among the groups gnomAD compares: East Asian, 0.0022%; no homozygotes.

Submission:

Ambry Genetics
Classification: Uncertain significance for Cardiovascular phenotype. Last evaluated: 2025-02-20. Review status: criteria provided, single submitter. Criteria: Ambry Variant Classification Scheme 2023. Collection method: clinical testing. Allele origin: germline.
Comment: The p.G87S variant (also known as c.259G>A), located in coding exon 2 of the FKBP14 gene, results from a G to A substitution at nucleotide position 259. The glycine at codon 87 is replaced by serine, an amino acid with similar properties. This amino acid position is conserved. In addition, the in silico prediction for this alteration is inconclusive. Based on the available evidence, the clinical significance of this variant remains unclear.